The following is an entry in ClinVar:

ClinVar aggregate classification (germline): Uncertain significance. Review status: criteria provided, multiple submitters, no conflicts (2 of 4 stars). 2 submissions from 2 submitters: Uncertain significance (2). Last evaluated 2024-11-04.

Allele frequency attached by ClinVar (database versions not stated): TOPMed below 0.00001.

Submissions (2):

Labcorp Genetics (formerly Invitae), Labcorp
Classification: Uncertain significance. Last evaluated: 2024-11-04. Review status: criteria provided, single submitter. Criteria: Invitae Variant Classification Sherloc (09022015). Collection method: clinical testing. Allele origin: germline.
Comment: This sequence change replaces alanine, which is neutral and non-polar, with serine, which is neutral and polar, at codon 2313 of the ANK3 protein (p.Ala2313Ser). This variant is not present in population databases (gnomAD no frequency). This variant has not been reported in the literature in individuals affected with ANK3-related conditions. ClinVar contains an entry for this variant (Variation ID: 389238). Invitae Evidence Modeling of protein sequence and biophysical properties (such as structural, functional, and spatial information, amino acid conservation, physicochemical variation, residue mobility, and thermodynamic stability) indicates that this missense variant is not expected to disrupt ANK3 protein function with a negative predictive value of 80%. In summary, the available evidence is currently insufficient to determine the role of this variant in disease. Therefore, it has been classified as a Variant of Uncertain Significance.

GeneDx
Classification: Uncertain significance. Last evaluated: 2016-09-26. Review status: criteria provided, single submitter. Criteria: GeneDx Variant Classification (06012015). Collection method: clinical testing. Allele origin: germline. Affected: yes.
Comment: The A2313S variant in the ANK3 gene has not been reported previously as a pathogenic variant, nor as a benign variant, to our knowledge. The A2313S variant was not observed in approximately 6,500 individuals of European and African American ancestry in the NHLBI Exome Sequencing Project, indicating it is not a common benign variant in these populations. The A2313S variant is a non-conservative amino acid substitution, which is likely to impact secondary protein structure as these residues differ in polarity, charge, size and/or other properties. This substitution occurs at a position that is not conserved. In silico analysis is inconsistent in its predictions as to whether or not the variant is damaging to the protein structure/function. We interpret A2313S as a variant of uncertain significance.

NM_020987.5(ANK3):c.6937G>T (p.Ala2313Ser)

Gene: ANK3 (ankyrin 3; minus strand). Cytogenetic location: 10q21.2.
Variant type: single nucleotide variant.
Coding change: c.6937G>T on transcript NM_020987.5 (MANE Select); coding-DNA position 6937, G replaced by T.
Protein change: p.Ala2313Ser; replaces alanine 2313 with serine.
Molecular consequence: missense variant. On other transcripts: intron variant (4).
Genome position (GRCh38, 1-based): chr10:60,073,944, C>A on the plus strand (G>T on the coding strand, the complement: ANK3 is on the minus strand). VCF-style: chr10-60073944-C-A. GRCh37 (hg19) VCF-style: chr10-61833702-C-A.
Other names: c.4388-5935G>T (NM_001204403.2); c.4409-5935G>T (NM_001204404.2); c.4406-5935G>T (NM_001320874.2); c.1808-5935G>T (NM_001149.4); short protein forms A2313S.
Identifiers: ClinVar variation 389238 (VCV000389238.4), dbSNP rs949707021, ClinGen allele CA16605650.